The following is an entry in ClinVar:

ClinVar aggregate classification (germline): Uncertain significance (1 of 4 stars; one submission).

Submission:

Labcorp Genetics (formerly Invitae), Labcorp
Classification: Uncertain significance. Last evaluated: 2021-04-08. Review status: criteria provided, single submitter. Criteria: Invitae Variant Classification Sherloc (09022015). Collection method: clinical testing. Allele origin: germline.
Comment: This sequence change replaces aspartic acid with glycine at codon 84 of the CDCA7 protein (p.Asp84Gly). The aspartic acid residue is weakly conserved and there is a moderate physicochemical difference between aspartic acid and glycine. This variant is not present in population databases (ExAC no frequency). In summary, the available evidence is currently insufficient to determine the role of this variant in disease. Therefore, it has been classified as a Variant of Uncertain Significance. Algorithms developed to predict the effect of sequence changes on RNA splicing suggest that this variant may create or strengthen a splice site, but this prediction has not been confirmed by published transcriptional studies. Algorithms developed to predict the effect of missense changes on protein structure and function are either unavailable or do not agree on the potential impact of this missense change (SIFT: "Deleterious"; PolyPhen-2: "Probably Damaging"; Align-GVGD: "Class C0"). This variant has not been reported in the literature in individuals with CDCA7-related conditions.

NM_031942.5(CDCA7):c.251A>G (p.Asp84Gly)

Gene: CDCA7 (cell division cycle associated 7; plus strand). Cytogenetic location: 2q31.1.
Variant type: single nucleotide variant.
Coding change: c.251A>G on transcript NM_031942.5 (MANE Select); coding-DNA position 251, A replaced by G.
Protein change: p.Asp84Gly; replaces aspartic acid 84 with glycine.
Molecular consequence: missense variant. On other transcripts: intron variant (1).
Genome position (GRCh38, 1-based): chr2:173,359,358, A>G. VCF-style: chr2-173359358-A-G. GRCh37 (hg19) VCF-style: chr2-174224086-A-G.
Other names: c.147+521A>G (NM_145810.3); short protein forms D84G.
Identifiers: ClinVar variation 1524146 (VCV001524146.8), dbSNP rs2106388595, ClinGen allele CA349321633.